The following is an entry in ClinVar:

NM_206933.4(USH2A):c.7027C>T (p.Arg2343Trp)

Gene: USH2A (usherin; minus strand). Cytogenetic location: 1q41.
Variant type: single nucleotide variant.
Coding change: c.7027C>T on transcript NM_206933.4 (MANE Select); coding-DNA position 7027, C replaced by T.
Protein change: p.Arg2343Trp; replaces arginine 2343 with tryptophan.
Molecular consequence: missense variant.
Genome position (GRCh38, 1-based): chr1:215,965,410, G>A on the plus strand (C>T on the coding strand, the complement: USH2A is on the minus strand). VCF-style: chr1-215965410-G-A. GRCh37 (hg19) VCF-style: chr1-216138752-G-A.
Other names: short protein forms R2343W.
Identifiers: ClinVar variation 856213 (VCV000856213.7), dbSNP rs149606872, ClinGen allele CA1394966.
Genomic context (GRCh38, chr1:215,965,410, plus strand): 5'-CTGAGTGTGTTAAGAGTCCATTAGGGCGAAAAGGTGCTTCCCACCTCACGTGGGCTTTCC[G>A]GGATCCCTGTGTTTTGACAAACACATTTACTGTTCCTTCAGGAGGAGCTTCTAGAGTTCG-3'
Protein context (NP_996816.3, residues 2333-2353): VNVFVKTQGS[Arg2343Trp]KAHVRWEAPF

ClinVar aggregate classification (germline): Uncertain significance. Review status: criteria provided, multiple submitters, no conflicts (2 of 4 stars). 7 submissions from 6 submitters: Uncertain significance (6). 1 of the submissions does not count toward it. Last evaluated 2024-04-23.

Conditions:
Retinitis pigmentosa 39 (RP39). Identifiers: Orphanet 791, MedGen C3151138, MONDO:0013436, OMIM 613809.
Usher syndrome type 2A. Also called: RETINAL DISEASE IN USHER SYNDROME TYPE IIA, MODIFIER OF; USHER SYNDROME, TYPE IIA. Identifiers: Orphanet 231178, Orphanet 886, MedGen C1848634, MONDO:0010169, OMIM 276901.
Inborn genetic diseases. Identifiers: MedGen C0950123, MeSH D030342.

Allele frequency attached by ClinVar (database versions not stated): ExAC 0.00002; gnomAD exomes 0.00002; gnomAD 0.00003; TOPMed 0.00003; ESP Exome Variant Server 0.00015.
gnomAD v4.1: 35 of 1,613,712 alleles (0.0022%); highest among the groups gnomAD compares: African/African-American, 0.0053%; no homozygotes.

Submissions (7):

Blueprint Genetics
Classification: Uncertain significance. Last evaluated: 2024-04-23. Review status: criteria provided, single submitter. Criteria: ACMG Guidelines, 2015. Collection method: clinical testing. Allele origin: germline.

Ambry Genetics
Classification: Uncertain significance for Inborn genetic diseases. Last evaluated: 2023-12-06. Review status: criteria provided, single submitter. Criteria: Ambry Variant Classification Scheme 2023. Collection method: clinical testing. Allele origin: germline.

Genome-Nilou Lab
Classification: Uncertain significance for Retinitis pigmentosa 39. Last evaluated: 2023-11-04. Review status: criteria provided, single submitter. Criteria: ACMG Guidelines, 2015. Collection method: clinical testing. Allele origin: germline. Affected: no.

Genome-Nilou Lab
Classification: Uncertain significance for Usher syndrome type 2A. Last evaluated: 2023-11-04. Review status: criteria provided, single submitter. Criteria: ACMG Guidelines, 2015. Collection method: clinical testing. Allele origin: germline. Affected: no.

GeneDx
Classification: Uncertain significance. Last evaluated: 2023-03-31. Review status: criteria provided, single submitter. Criteria: GeneDx Variant Classification Process June 2021. Collection method: clinical testing. Allele origin: germline. Affected: yes.
Comment: In silico analysis supports that this missense variant has a deleterious effect on protein structure/function; Has not been previously published as pathogenic or benign to our knowledge

Labcorp Genetics (formerly Invitae), Labcorp
Classification: Uncertain significance. Last evaluated: 2022-02-03. Review status: criteria provided, single submitter. Criteria: Invitae Variant Classification Sherloc (09022015). Collection method: clinical testing. Allele origin: germline.
Comment: This sequence change replaces arginine, which is basic and polar, with tryptophan, which is neutral and slightly polar, at codon 2343 of the USH2A protein (p.Arg2343Trp). This variant is present in population databases (rs149606872, gnomAD 0.008%). This variant has not been reported in the literature in individuals affected with USH2A-related conditions. ClinVar contains an entry for this variant (Variation ID: 856213). Algorithms developed to predict the effect of missense changes on protein structure and function (SIFT, PolyPhen-2, Align-GVGD) all suggest that this variant is likely to be disruptive. In summary, the available evidence is currently insufficient to determine the role of this variant in disease. Therefore, it has been classified as a Variant of Uncertain Significance.

Natera, Inc.
Classification: Uncertain significance for Usher syndrome type 2A. Last evaluated: 2020-08-14. Review status: no assertion criteria provided. Collection method: clinical testing. Allele origin: germline. Not counted in ClinVar's aggregate classification.